The following is an entry in ClinVar:

NM_001267550.2(TTN):c.21859C>G (p.Leu7287Val)

Gene: TTN (titin; minus strand). Cytogenetic location: 2q31.2.
Variant type: single nucleotide variant.
Coding change: c.21859C>G on transcript NM_001267550.2 (MANE Select); coding-DNA position 21859, C replaced by G.
Protein change: p.Leu7287Val; replaces leucine 7287 with valine.
Molecular consequence: missense variant. On other transcripts: intron variant (3).
Genome position (GRCh38, 1-based): chr2:178,723,148, G>C on the plus strand (C>G on the coding strand, the complement: TTN is on the minus strand). VCF-style: chr2-178723148-G-C. GRCh37 (hg19) VCF-style: chr2-179587875-G-C.
Other names: p.L6970V:CTG>GTG; c.20908C>G, p.Leu6970Val (NM_001256850.1); c.18127C>G, p.Leu6043Val (NM_133378.4); c.13282+14934C>G (NM_003319.4); c.13858+14934C>G (NM_133437.4); c.13657+14934C>G (NM_133432.3); short protein forms L6970V, L7287V, L6043V.
Identifiers: ClinVar variation 203304 (VCV000203304.5), dbSNP rs754054875, ClinGen allele CA311980.

ClinVar aggregate classification (germline): Uncertain significance. Review status: criteria provided, multiple submitters, no conflicts (2 of 4 stars). 2 submissions from 2 submitters: Uncertain significance (2). Last evaluated 2020-11-30.

Allele frequency attached by ClinVar (database versions not stated): gnomAD exomes below 0.00001; ExAC 0.00001; gnomAD 0.00002; TOPMed 0.00003.
gnomAD v4.1: 5 of 1,613,352 alleles (0.00031%); highest among the groups gnomAD compares: African/African-American, 0.0067%; no homozygotes.

Submissions (2):

Revvity Omics, Revvity
Classification: Uncertain significance. Last evaluated: 2020-11-30. Review status: criteria provided, single submitter. Criteria: ACMG Guidelines, 2015. Collection method: clinical testing. Allele origin: germline.

GeneDx
Classification: Uncertain significance. Last evaluated: 2014-07-25. Review status: criteria provided, single submitter. Criteria: GeneDx Variant Classification (06012015). Collection method: clinical testing. Allele origin: germline. Affected: yes.
Comment: Missense variants in the TTN gene are considered 'unclassified' if they are not previously reported in the literature and do not have >1% frequency in the population to be considered a polymorphism. Research indicates that truncating mutations in the TTN gene are expected to account for approximately 25% of familial and 18% of sporadic idiopathic DCM; however, truncating variants in the TTN gene have been reported in approximately 3% of reported control alleles. There has been little investigation into non-truncating variants. (Herman D et al. Truncations of titin causing dilated cardiomyopathy. N Eng J Med 366:619-628, 2012) The variant is found in DCM-CRDM panel(s).